The following is an entry in ClinVar:

NM_002516.4(NOVA2):c.719C>G (p.Ala240Gly)

Gene: NOVA2 (NOVA alternative splicing regulator 2; minus strand). Cytogenetic location: 19q13.32.
Variant type: single nucleotide variant.
Coding change: c.719C>G on transcript NM_002516.4 (MANE Select); coding-DNA position 719, C replaced by G.
Protein change: p.Ala240Gly; replaces alanine 240 with glycine.
Molecular consequence: missense variant.
Genome position (GRCh38, 1-based): chr19:45,940,623, G>C on the plus strand (C>G on the coding strand, the complement: NOVA2 is on the minus strand). VCF-style: chr19-45940623-G-C. GRCh37 (hg19) VCF-style: chr19-46443881-G-C.
Other names: short protein forms A240G.
Identifiers: ClinVar variation 2168726 (VCV002168726.4), dbSNP rs759705490, ClinGen allele CA406435388.

ClinVar aggregate classification (germline): Uncertain significance (1 of 4 stars; one submission).

Allele frequency attached by ClinVar (database versions not stated): gnomAD 0.00001; TOPMed 0.00001.

Submission:

Labcorp Genetics (formerly Invitae), Labcorp
Classification: Uncertain significance. Last evaluated: 2022-07-19. Review status: criteria provided, single submitter. Criteria: Invitae Variant Classification Sherloc (09022015). Collection method: clinical testing. Allele origin: germline.
Comment: This variant is present in population databases (no rsID available, gnomAD 0.1%). This sequence change replaces alanine, which is neutral and non-polar, with glycine, which is neutral and non-polar, at codon 240 of the NOVA2 protein (p.Ala240Gly). This variant has not been reported in the literature in individuals affected with NOVA2-related conditions. Experimental studies and prediction algorithms are not available or were not evaluated, and the functional significance of this variant is currently unknown. In summary, the available evidence is currently insufficient to determine the role of this variant in disease. Therefore, it has been classified as a Variant of Uncertain Significance.